The following is an entry in ClinVar:

NM_016247.4(IMPG2):c.828+1G>A

Gene: IMPG2 (interphotoreceptor matrix proteoglycan 2; minus strand). Cytogenetic location: 3q12.3.
Variant type: single nucleotide variant.
Coding change: c.828+1G>A on transcript NM_016247.4 (MANE Select); the canonical splice donor site of the intron after coding-DNA position 828, G replaced by A.
Molecular consequence: splice donor variant.
Genome position (GRCh38, 1-based): chr3:101,273,580, C>T on the plus strand (G>A on the coding strand, the complement: IMPG2 is on the minus strand). VCF-style: chr3-101273580-C-T. GRCh37 (hg19) VCF-style: chr3-100992424-C-T.
Identifiers: ClinVar variation 2907341 (VCV002907341.5), dbSNP rs1333793119, ClinGen allele CA2519380.

ClinVar aggregate classification (germline): Pathogenic/Likely pathogenic. Review status: criteria provided, multiple submitters, no conflicts (2 of 4 stars). 2 submissions from 2 submitters: Pathogenic (1); Likely pathogenic (1). Last evaluated 2024-09-13.

Conditions:
Retinitis pigmentosa 56 (RP56). Identifiers: Orphanet 791, MedGen C3150819, MONDO:0013314, OMIM 613581.

Allele frequency attached by ClinVar (database versions not stated): ExAC 0.00001; gnomAD exomes 0.00001.
gnomAD v4.1: 4 of 1,613,714 alleles (0.00025%); highest among the groups gnomAD compares: East Asian, 0.0089%; no homozygotes.

Submissions (2):

3billion
Classification: Pathogenic for Retinitis pigmentosa 56. Last evaluated: 2024-09-13. Review status: criteria provided, single submitter. Criteria: ACMG Guidelines, 2015. Collection method: clinical testing. Allele origin: germline. Affected: yes.
Comment: The variant is observed at an extremely low frequency in the gnomAD v4.0.0 dataset (total allele frequency: <0.001%). Predicted Consequence/Location: Canonical splice site: predicted to alter splicing and result in a loss or disruption of normal protein function. Multiple pathogenic loss-of-function variants are reported downstream of the variant. The variant has been reported to be associated with IMPG2 related disorder (ClinVar ID: VCV002907341 /PMID: 31144483 /3billion dataset). Therefore, this variant is classified as Pathogenic according to the recommendation of ACMG/AMP guideline.

Labcorp Genetics (formerly Invitae), Labcorp
Classification: Likely pathogenic. Last evaluated: 2024-08-27. Review status: criteria provided, single submitter. Criteria: Invitae Variant Classification Sherloc (09022015). Collection method: clinical testing. Allele origin: germline.
Comment: This sequence change affects a donor splice site in intron 7 of the IMPG2 gene. It is expected to disrupt RNA splicing. Variants that disrupt the donor or acceptor splice site typically lead to a loss of protein function (PMID: 16199547), and loss-of-function variants in IMPG2 are known to be pathogenic (PMID: 20673862). This variant is present in population databases (no rsID available, gnomAD 0.02%). Disruption of this splice site has been observed in individual(s) with retinitis pigmentosa (PMID: 31144483). Algorithms developed to predict the effect of sequence changes on RNA splicing suggest that this variant may disrupt the consensus splice site. In summary, the currently available evidence indicates that the variant is pathogenic, but additional data are needed to prove that conclusively. Therefore, this variant has been classified as Likely Pathogenic.

Literature cited by the submitters: PubMed 31144483 (cited by 3billion and Labcorp Genetics (formerly Invitae), Labcorp); PubMed 16199547 (cited by Labcorp Genetics (formerly Invitae), Labcorp); PubMed 20673862 (cited by Labcorp Genetics (formerly Invitae), Labcorp).